The following is an entry in ClinVar:

NM_015295.3(SMCHD1):c.773A>T (p.Asp258Val)

Gene: SMCHD1 (structural maintenance of chromosomes flexible hinge domain containing 1; plus strand). Cytogenetic location: 18p11.32.
Variant type: single nucleotide variant.
Coding change: c.773A>T on transcript NM_015295.3 (MANE Select); coding-DNA position 773, A replaced by T.
Protein change: p.Asp258Val; replaces aspartic acid 258 with valine.
Molecular consequence: missense variant.
Genome position (GRCh38, 1-based): chr18:2,688,647, A>T. VCF-style: chr18-2688647-A-T. GRCh37 (hg19) VCF-style: chr18-2688645-A-T.
Other names: short protein forms D258V.
Identifiers: ClinVar variation 3703436 (VCV003703436.2).

ClinVar aggregate classification (germline): Uncertain significance (1 of 4 stars; one submission).

Conditions:
Facioscapulohumeral muscular dystrophy 2 (FSHD2). Also called: MUSCULAR DYSTROPHY, FACIOSCAPULOHUMERAL, TYPE 1B; FACIOSCAPULOHUMERAL MUSCULAR DYSTROPHY 2, DIGENIC; FSHD2, DIGENIC. Identifiers: Orphanet 269, MedGen C1834671, MONDO:0008031, OMIM 158901.

gnomAD v4.1: 11 of 1,558,224 alleles (0.00071%); highest among the groups gnomAD compares: East Asian, 0.026%; no homozygotes.

Submission:

Labcorp Genetics (formerly Invitae), Labcorp
Classification: Uncertain significance for Facioscapulohumeral muscular dystrophy 2. Last evaluated: 2024-06-26. Review status: criteria provided, single submitter. Criteria: Invitae Variant Classification Sherloc (09022015). Collection method: clinical testing. Allele origin: germline.
Comment: This sequence change replaces aspartic acid, which is acidic and polar, with valine, which is neutral and non-polar, at codon 258 of the SMCHD1 protein (p.Asp258Val). This variant is present in population databases (rs749751285, gnomAD 0.05%). This variant has not been reported in the literature in individuals affected with SMCHD1-related conditions. Advanced modeling of protein sequence and biophysical properties (such as structural, functional, and spatial information, amino acid conservation, physicochemical variation, residue mobility, and thermodynamic stability) performed at Invitae indicates that this missense variant is not expected to disrupt SMCHD1 protein function with a negative predictive value of 80%. In summary, the available evidence is currently insufficient to determine the role of this variant in disease. Therefore, it has been classified as a Variant of Uncertain Significance.